The following is an entry in ClinVar:

ClinVar aggregate classification (germline): Uncertain significance (1 of 4 stars; one submission).

gnomAD v4.1: 1 of 1,613,898 alleles (0.000062%); highest among the groups gnomAD compares: Admixed American, 0.0017%; no homozygotes.

Submission:

Labcorp Genetics (formerly Invitae), Labcorp
Classification: Uncertain significance. Last evaluated: 2021-10-04. Review status: criteria provided, single submitter. Criteria: Invitae Variant Classification Sherloc (09022015). Collection method: clinical testing. Allele origin: germline.
Comment: This sequence change replaces threonine with asparagine at codon 1682 of the CACNA1E protein (p.Thr1682Asn). The threonine residue is highly conserved and there is a small physicochemical difference between threonine and asparagine. In summary, the available evidence is currently insufficient to determine the role of this variant in disease. Therefore, it has been classified as a Variant of Uncertain Significance. Advanced modeling of protein sequence and biophysical properties (such as structural, functional, and spatial information, amino acid conservation, physicochemical variation, residue mobility, and thermodynamic stability) performed at Invitae indicates that this missense variant is not expected to disrupt CACNA1E protein function. This variant has not been reported in the literature in individuals affected with CACNA1E-related conditions. This variant is present in population databases (rs775398717, ExAC 0.009%).

NM_001205293.3(CACNA1E):c.5045C>A (p.Thr1682Asn)

Gene: CACNA1E (calcium voltage-gated channel subunit alpha1 E; plus strand). Cytogenetic location: 1q25.3.
Variant type: single nucleotide variant.
Coding change: c.5045C>A on transcript NM_001205293.3 (MANE Select); coding-DNA position 5045, C replaced by A.
Protein change: p.Thr1682Asn; replaces threonine 1682 with asparagine.
Molecular consequence: missense variant.
Genome position (GRCh38, 1-based): chr1:181,772,137, C>A. VCF-style: chr1-181772137-C-A. GRCh37 (hg19) VCF-style: chr1-181741273-C-A.
Other names: c.5045C>A, p.Thr1682Asn (NM_000721.4); c.4988C>A, p.Thr1663Asn (NM_001205294.2); short protein forms T1663N, T1682N.
Identifiers: ClinVar variation 1384549 (VCV001384549.6), dbSNP rs775398717, ClinGen allele CA1275999.